The following is an entry in ClinVar:

NM_012208.4(HARS2):c.151G>A (p.Glu51Lys)

Gene: HARS2 (histidyl-tRNA synthetase 2, mitochondrial; plus strand). Cytogenetic location: 5q31.3.
Variant type: single nucleotide variant.
Coding change: c.151G>A on transcript NM_012208.4 (MANE Select); coding-DNA position 151, G replaced by A.
Protein change: p.Glu51Lys; replaces glutamic acid 51 with lysine.
Molecular consequence: missense variant. On other transcripts: 5 prime UTR variant (2), intron variant (1).
Genome position (GRCh38, 1-based): chr5:140,693,633, G>A. VCF-style: chr5-140693633-G-A. GRCh37 (hg19) VCF-style: chr5-140073218-G-A.
Other names: p.E51K:GAG>AAG; c.-60G>A (NM_001278732.2, NM_001363536.2); c.169G>A, p.Glu57Lys (NM_001363535.2); c.109-302G>A (NM_001278731.2); short protein forms E51K, E57K.
Identifiers: ClinVar variation 214538 (VCV000214538.3), dbSNP rs773430229, ClinGen allele CA324816.

ClinVar aggregate classification (germline): Uncertain significance (1 of 4 stars; one submission).

Allele frequency attached by ClinVar (database versions not stated): TOPMed 0.00002; gnomAD exomes 0.00003 and 0.00004; gnomAD 0.00004; ExAC 0.00005.

Submission:

GeneDx
Classification: Uncertain significance. Last evaluated: 2025-12-30. Review status: criteria provided, single submitter. Criteria: GeneDx Variant Classification Process June 2021. Collection method: clinical testing. Allele origin: germline. Affected: yes.
Comment: Has not been previously published as pathogenic or benign to our knowledge; Not observed at significant frequency in large population cohorts (gnomAD); In silico analysis suggests that this missense variant does not alter protein structure/function